The following is an entry in ClinVar:

NM_000263.4(NAGLU):c.788C>T (p.Thr263Met)

Gene: NAGLU (N-acetyl-alpha-glucosaminidase; plus strand). Cytogenetic location: 17q21.2.
Variant type: single nucleotide variant.
Coding change: c.788C>T on transcript NM_000263.4 (MANE Select); coding-DNA position 788, C replaced by T.
Protein change: p.Thr263Met; replaces threonine 263 with methionine.
Molecular consequence: missense variant.
Genome position (GRCh38, 1-based): chr17:42,540,973, C>T. VCF-style: chr17-42540973-C-T. GRCh37 (hg19) VCF-style: chr17-40692991-C-T.
Other names: short protein forms T263M.
Identifiers: ClinVar variation 323297 (VCV000323297.7), dbSNP rs777479452, ClinGen allele CA8576876.

ClinVar aggregate classification (germline): Uncertain significance. Review status: criteria provided, multiple submitters, no conflicts (2 of 4 stars). 3 submissions from 3 submitters: Uncertain significance (3). Last evaluated 2024-01-27.

Conditions:
Charcot-Marie-Tooth disease axonal type 2V. Also called: CHARCOT-MARIE-TOOTH NEUROPATHY, TYPE 2V; CHARCOT-MARIE-TOOTH DISEASE, AXONAL, AUTOSOMAL DOMINANT, TYPE 2V. Identifiers: Orphanet 447964, MedGen C5569050, MONDO:0014665, OMIM 616491.
Mucopolysaccharidosis, MPS-III-B (MPS3B). Also called: Mucopolysaccharidosis type IIIB (Sanfilippo B); MPS IIIB (Sanfilippo Syndrome Type B); MPS III B; N-ACETYL-ALPHA-D-GLUCOSAMINIDASE DEFICIENCY; NAGLU DEFICIENCY; MUCOPOLYSACCHARIDOSIS, TYPE IIIB. Identifiers: Orphanet 79270, MedGen C0086648, MONDO:0009656, OMIM 252920.

Allele frequency attached by ClinVar (database versions not stated): gnomAD exomes 0.00001 and 0.00002; gnomAD 0.00009 and 0.00008; ExAC 0.00003; TOPMed 0.00007.
gnomAD v4.1: 36 of 1,614,070 alleles (0.0022%); highest among the groups gnomAD compares: African/African-American, 0.0053%; no homozygotes.

Submissions (3):

GeneDx
Classification: Uncertain significance. Last evaluated: 2024-01-27. Review status: criteria provided, single submitter. Criteria: GeneDx Variant Classification Process June 2021. Collection method: clinical testing. Allele origin: germline. Affected: yes.
Comment: Not observed at significant frequency in large population cohorts (gnomAD); In silico analysis supports that this missense variant has a deleterious effect on protein structure/function; Has not been previously published as pathogenic or benign to our knowledge

Labcorp Genetics (formerly Invitae), Labcorp
Classification: Uncertain significance for Charcot-Marie-Tooth disease axonal type 2V; Mucopolysaccharidosis, MPS-III-B. Last evaluated: 2022-10-05. Review status: criteria provided, single submitter. Criteria: Invitae Variant Classification Sherloc (09022015). Collection method: clinical testing. Allele origin: germline.
Comment: This sequence change replaces threonine, which is neutral and polar, with methionine, which is neutral and non-polar, at codon 263 of the NAGLU protein (p.Thr263Met). This variant is present in population databases (rs777479452, gnomAD 0.003%). This variant has not been reported in the literature in individuals affected with NAGLU-related conditions. ClinVar contains an entry for this variant (Variation ID: 323297). Advanced modeling of protein sequence and biophysical properties (such as structural, functional, and spatial information, amino acid conservation, physicochemical variation, residue mobility, and thermodynamic stability) performed at Invitae indicates that this missense variant is expected to disrupt NAGLU protein function. In summary, the available evidence is currently insufficient to determine the role of this variant in disease. Therefore, it has been classified as a Variant of Uncertain Significance.

Illumina Laboratory Services, Illumina
Classification: Uncertain significance for Mucopolysaccharidosis, MPS-III-B. Last evaluated: 2018-01-13. Review status: criteria provided, single submitter. Criteria: ICSL Variant Classification Criteria 13 December 2019. Collection method: clinical testing. Allele origin: germline.